The following is an entry in ClinVar:

NM_015909.4(NBAS):c.5072A>G (p.Gln1691Arg)

Gene: NBAS (NBAS subunit of NRZ tethering complex; minus strand). Cytogenetic location: 2p24.3.
Variant type: single nucleotide variant.
Coding change: c.5072A>G on transcript NM_015909.4 (MANE Select); coding-DNA position 5072, A replaced by G.
Protein change: p.Gln1691Arg; replaces glutamine 1691 with arginine.
Molecular consequence: missense variant. On other transcripts: non-coding transcript variant (1).
Genome position (GRCh38, 1-based): chr2:15,287,139, T>C on the plus strand (A>G on the coding strand, the complement: NBAS is on the minus strand). VCF-style: chr2-15287139-T-C. GRCh37 (hg19) VCF-style: chr2-15427263-T-C.
Other names: c.5072A>G (NM_015909.2); short protein forms Q1691R.
Identifiers: ClinVar variation 1505309 (VCV001505309.6), dbSNP rs1015783714, ClinGen allele CA42608721.

ClinVar aggregate classification (germline): Uncertain significance. Review status: criteria provided, multiple submitters, no conflicts (2 of 4 stars). 2 submissions from 2 submitters: Uncertain significance (2). Last evaluated 2024-03-01.

Conditions:
Inborn genetic diseases. Identifiers: MedGen C0950123, MeSH D030342.

Allele frequency attached by ClinVar (database versions not stated): gnomAD exomes below 0.00001; gnomAD 0.00001 and 0.00002; TOPMed 0.00005.
gnomAD v4.1: 9 of 1,613,978 alleles (0.00056%); highest among the groups gnomAD compares: Admixed American, 0.0033%; no homozygotes.

Submissions (2):

Ambry Genetics
Classification: Uncertain significance for Inborn genetic diseases. Last evaluated: 2024-03-01. Review status: criteria provided, single submitter. Criteria: Ambry Variant Classification Scheme 2023. Collection method: clinical testing. Allele origin: germline.

Labcorp Genetics (formerly Invitae), Labcorp
Classification: Uncertain significance. Last evaluated: 2022-08-20. Review status: criteria provided, single submitter. Criteria: Invitae Variant Classification Sherloc (09022015). Collection method: clinical testing. Allele origin: germline.
Comment: This sequence change replaces glutamine, which is neutral and polar, with arginine, which is basic and polar, at codon 1691 of the NBAS protein (p.Gln1691Arg). This variant is present in population databases (no rsID available, gnomAD no frequency). This variant has not been reported in the literature in individuals affected with NBAS-related conditions. ClinVar contains an entry for this variant (Variation ID: 1505309). Algorithms developed to predict the effect of missense changes on protein structure and function (SIFT, PolyPhen-2, Align-GVGD) all suggest that this variant is likely to be disruptive. In summary, the available evidence is currently insufficient to determine the role of this variant in disease. Therefore, it has been classified as a Variant of Uncertain Significance.